The following is an entry in ClinVar:

ClinVar aggregate classification (germline): Uncertain significance (1 of 4 stars; one submission).

Conditions:
Cardiomyopathy (CMYO). Also called: Cardiomyopathies. Identifiers: Orphanet 167848, MedGen C0878544, MONDO:0004994, HP:0001638. Inheritance: Various modes of inheritance.

Submission:

Color Diagnostics, LLC DBA Color Health
Classification: Uncertain significance for Cardiomyopathy. Last evaluated: 2024-03-06. Review status: criteria provided, single submitter. Criteria: ACMG Guidelines, 2015. Collection method: clinical testing. Allele origin: germline.
Comment: This missense variant replaces methionine with threonine at codon 1256 of the MYH7 protein. Computational prediction suggests that this variant may not impact protein structure and function (internally defined REVEL score threshold <= 0.5, PMID: 27666373). Splice site prediction tools suggest that this variant may not impact RNA splicing. To our knowledge, functional studies have not been performed for this variant. This variant has not been reported in individuals affected with cardiovascular disorders in the literature. This variant has not been identified in the general population by the Genome Aggregation Database (gnomAD). The available evidence is insufficient to determine the role of this variant in disease conclusively. Therefore, this variant is classified as a Variant of Uncertain Significance.

NM_000257.4(MYH7):c.3767T>C (p.Met1256Thr)

Gene: MYH7 (myosin heavy chain 7; minus strand). Cytogenetic location: 14q11.2.
Variant type: single nucleotide variant.
Coding change: c.3767T>C on transcript NM_000257.4 (MANE Select); coding-DNA position 3767, T replaced by C.
Protein change: p.Met1256Thr; replaces methionine 1256 with threonine.
Molecular consequence: missense variant.
Genome position (GRCh38, 1-based): chr14:23,419,569, A>G on the plus strand (T>C on the coding strand, the complement: MYH7 is on the minus strand). VCF-style: chr14-23419569-A-G. GRCh37 (hg19) VCF-style: chr14-23888778-A-G.
Other names: short protein forms M1256T.
Identifiers: ClinVar variation 921286 (VCV000921286.4), dbSNP rs1892381836, ClinGen allele CA389042702.